The following is an entry in ClinVar:

ClinVar aggregate classification (germline): Uncertain significance. Review status: criteria provided, multiple submitters, no conflicts (2 of 4 stars). 8 submissions from 8 submitters: Uncertain significance (7). 1 of the submissions does not count toward it. Last evaluated 2026-05-26.

Conditions:
Inborn genetic diseases. Identifiers: MedGen C0950123, MeSH D030342.
VPS13B-related disorder. Also called: VPS13B-related condition.
Cohen syndrome (COH1). Also called: PEPPER SYNDROME; Cutis verticis gyrata, retinitis pigmentosa, and sensorineural deafness. Identifiers: Orphanet 193, MedGen C0265223, MONDO:0008999, OMIM 216550.

Allele frequency attached by ClinVar (database versions not stated): gnomAD 0.00001; gnomAD exomes 0.00002 and 0.00003; TOPMed 0.00004.
gnomAD v4.1: 37 of 1,614,014 alleles (0.0023%); highest among the groups gnomAD compares: Middle Eastern, 0.049%; no homozygotes.

Submissions (8):

PreventionGenetics, part of Exact Sciences
Classification: Uncertain significance for VPS13B-related condition. Last evaluated: 2026-05-26. Review status: criteria provided, single submitter. Criteria: ACMG Guidelines, 2015. Collection method: clinical testing. Allele origin: germline.
Comment: The VPS13B c.6262G>A variant is predicted to result in the amino acid substitution p.Asp2088Asn. To our knowledge, this variant has not been reported in the literature. This variant is reported in 0.048% of alleles in individuals of Ashkenazi Jewish descent in gnomAD. At this time, the clinical significance of this variant is uncertain due to the absence of conclusive functional and genetic evidence.

Blueprint Genetics
Classification: Uncertain significance. Last evaluated: 2023-07-25. Review status: criteria provided, single submitter. Criteria: ACMG Guidelines, 2015. Collection method: clinical testing. Allele origin: germline.

Department of Pathology and Laboratory Medicine, Sinai Health System
Classification: Uncertain significance for Cohen syndrome. Last evaluated: 2022-12-22. Review status: criteria provided, single submitter. Criteria: ACMG Guidelines, 2015. Collection method: research. Allele origin: germline.

GeneDx
Classification: Uncertain significance. Last evaluated: 2022-08-08. Review status: criteria provided, single submitter. Criteria: GeneDx Variant Classification Process June 2021. Collection method: clinical testing. Allele origin: germline. Affected: yes.
Comment: In silico analysis supports that this missense variant does not alter protein structure/function; Identified in trans with another VPS13B variant in an individual with atrioventricular septal heart defect, but additional phenotypic information was not included and the individual harbored several variants in other genes (Priest et al., 2016); This variant is associated with the following publications: (PMID: 27058611)

Ambry Genetics
Classification: Uncertain significance for Inborn genetic diseases. Last evaluated: 2022-08-03. Review status: criteria provided, single submitter. Criteria: Ambry Variant Classification Scheme 2023. Collection method: clinical testing. Allele origin: germline.

Labcorp Genetics (formerly Invitae), Labcorp
Classification: Uncertain significance for Cohen syndrome. Last evaluated: 2022-05-08. Review status: criteria provided, single submitter. Criteria: Invitae Variant Classification Sherloc (09022015). Collection method: clinical testing. Allele origin: germline.
Comment: This sequence change replaces aspartic acid, which is acidic and polar, with asparagine, which is neutral and polar, at codon 2113 of the VPS13B protein (p.Asp2113Asn). This variant is present in population databases (no rsID available, gnomAD 0.05%). This variant has not been reported in the literature in individuals affected with VPS13B-related conditions. ClinVar contains an entry for this variant (Variation ID: 965028). Algorithms developed to predict the effect of missense changes on protein structure and function are either unavailable or do not agree on the potential impact of this missense change (SIFT: "Not Available"; PolyPhen-2: "Benign"; Align-GVGD: "Not Available"). In summary, the available evidence is currently insufficient to determine the role of this variant in disease. Therefore, it has been classified as a Variant of Uncertain Significance.

Genome-Nilou Lab
Classification: Uncertain significance for Cohen syndrome. Last evaluated: 2021-07-22. Review status: criteria provided, single submitter. Criteria: ACMG Guidelines, 2015. Collection method: clinical testing. Allele origin: germline. Affected: no.

Natera, Inc.
Classification: Uncertain significance for Cohen syndrome. Last evaluated: 2020-04-16. Review status: no assertion criteria provided. Collection method: clinical testing. Allele origin: germline. Not counted in ClinVar's aggregate classification.

NM_152564.5(VPS13B):c.6262G>A (p.Asp2088Asn)

Gene: VPS13B (vacuolar protein sorting 13 homolog B; plus strand). Cytogenetic location: 8q22.2.
Variant type: single nucleotide variant.
Coding change: c.6262G>A on transcript NM_152564.5 (MANE Select); coding-DNA position 6262, G replaced by A.
Protein change: p.Asp2088Asn; replaces aspartic acid 2088 with asparagine.
Molecular consequence: missense variant.
Genome position (GRCh38, 1-based): chr8:99,699,740, G>A. VCF-style: chr8-99699740-G-A. GRCh37 (hg19) VCF-style: chr8-100711968-G-A.
Other names: c.6262G>A (NM_152564.4); c.6337G>A, p.Asp2113Asn (NM_017890.5); c.6337G>A (NM_017890.3); short protein forms D2113N, D2088N.
Identifiers: ClinVar variation 965028 (VCV000965028.13), dbSNP rs1056435586, ClinGen allele CA183025318.